The following is an entry in ClinVar:

ClinVar aggregate classification (germline): Uncertain significance (1 of 4 stars; one submission).

gnomAD v4.1: 10 of 1,611,858 alleles (0.00062%); highest among the groups gnomAD compares: South Asian, 0.011%; no homozygotes.

Submission:

Labcorp Genetics (formerly Invitae), Labcorp
Classification: Uncertain significance. Last evaluated: 2025-06-25. Review status: criteria provided, single submitter. Criteria: Invitae Variant Classification Sherloc (09022015). Collection method: clinical testing. Allele origin: germline.
Comment: This sequence change replaces alanine, which is neutral and non-polar, with valine, which is neutral and non-polar, at codon 69 of the ELP4 protein (p.Ala69Val). This variant is present in population databases (rs777162462, gnomAD 0.007%). This variant has not been reported in the literature in individuals affected with ELP4-related conditions. An algorithm developed to predict the effect of missense changes on protein structure and function (PolyPhen-2) suggests that this variant is likely to be disruptive. In summary, the available evidence is currently insufficient to determine the role of this variant in disease. Therefore, it has been classified as a Variant of Uncertain Significance.

NM_019040.5(ELP4):c.206C>T (p.Ala69Val)

Gene: ELP4 (elongator acetyltransferase complex subunit 4; plus strand). Cytogenetic location: 11p13.
Variant type: single nucleotide variant.
Coding change: c.206C>T on transcript NM_019040.5 (MANE Select); coding-DNA position 206, C replaced by T.
Protein change: p.Ala69Val; replaces alanine 69 with valine.
Molecular consequence: missense variant.
Genome position (GRCh38, 1-based): chr11:31,509,990, C>T. VCF-style: chr11-31509990-C-T. GRCh37 (hg19) VCF-style: chr11-31531537-C-T.
Other names: c.206C>T, p.Ala69Val (NM_001288725.2, NM_001288726.2); short protein forms A69V.
Identifiers: ClinVar variation 4751449 (VCV004751449.1).